The following is an entry in ClinVar:

NM_003384.3(VRK1):c.607C>T (p.Arg203Trp)

Gene: VRK1 (VRK serine/threonine kinase 1; plus strand). Cytogenetic location: 14q32.2.
Variant type: single nucleotide variant.
Coding change: c.607C>T on transcript NM_003384.3 (MANE Select); coding-DNA position 607, C replaced by T.
Protein change: p.Arg203Trp; replaces arginine 203 with tryptophan.
Molecular consequence: missense variant.
Genome position (GRCh38, 1-based): chr14:96,855,254, C>T. VCF-style: chr14-96855254-C-T. GRCh37 (hg19) VCF-style: chr14-97321591-C-T.
Other names: short protein forms R203W.
Identifiers: ClinVar variation 580037 (VCV000580037.11), dbSNP rs144600646, ClinGen allele CA7339033.

ClinVar aggregate classification (germline): Uncertain significance. Review status: criteria provided, multiple submitters, no conflicts (2 of 4 stars). 5 submissions from 5 submitters: Uncertain significance (3). 2 of the submissions do not count toward it. Last evaluated 2025-09-02.

Conditions:
Distal spinal muscular atrophy. Also called: Distal hereditary motor neuropathy; Distal hereditary motor neuronopathy. Identifiers: Orphanet 53739, MedGen C0393541, MONDO:0018894.
Pontocerebellar hypoplasia type 1A (PCH1A). Also called: PONTOCEREBELLAR HYPOPLASIA WITH ANTERIOR HORN CELL DISEASE; PONTOCEREBELLAR HYPOPLASIA WITH INFANTILE SPINAL MUSCULAR ATROPHY. Identifiers: Orphanet 2254, Orphanet 88616, MedGen C1843504, MONDO:0011866, OMIM 607596.

Allele frequency attached by ClinVar (database versions not stated): gnomAD 0.00001 and 0.00002; ExAC 0.00002; gnomAD exomes 0.00003; TOPMed 0.00003; ESP Exome Variant Server 0.00015; 1000 Genomes Project 0.00020; 1000 Genomes Project 30x 0.00031.
gnomAD v4.1: 66 of 1,614,002 alleles (0.0041%); highest among the groups gnomAD compares: Non-Finnish European, 0.005%; no homozygotes.

Submissions (5):

Myriad Genetics, Inc.
Classification: Uncertain significance for Pontocerebellar hypoplasia type 1A. Last evaluated: 2025-09-02. Review status: criteria provided, single submitter. Criteria: Myriad Autosomal Dominant, Autosomal Recessive and X-Linked Classification Criteria (2023). Collection method: clinical testing. Allele origin: unknown.
Comment: NM_003384.2(VRK1):c.607C>T(R203W) is a missense variant classified as a variant of uncertain significance in the context of pontocerebellar hypoplasia, VRK1-related. R203W has been observed in a case with relevant disease (PMID: 35641352). Relevant functional assessments of this variant are not available in the literature. R203W has been observed in referenced population frequency databases. In summary, there is insufficient evidence to classify NM_003384.2(VRK1):c.607C>T(R203W) as pathogenic or benign. Please note: this variant was assessed in the context of healthy population screening.

Labcorp Genetics (formerly Invitae), Labcorp
Classification: Uncertain significance for Pontocerebellar hypoplasia type 1A. Last evaluated: 2022-02-06. Review status: criteria provided, single submitter. Criteria: Invitae Variant Classification Sherloc (09022015). Collection method: clinical testing. Allele origin: germline.
Comment: This sequence change replaces arginine, which is basic and polar, with tryptophan, which is neutral and slightly polar, at codon 203 of the VRK1 protein (p.Arg203Trp). This variant is present in population databases (rs144600646, gnomAD 0.01%). This variant has not been reported in the literature in individuals affected with VRK1-related conditions. ClinVar contains an entry for this variant (Variation ID: 580037). Algorithms developed to predict the effect of missense changes on protein structure and function (SIFT, PolyPhen-2, Align-GVGD) all suggest that this variant is likely to be disruptive. In summary, the available evidence is currently insufficient to determine the role of this variant in disease. Therefore, it has been classified as a Variant of Uncertain Significance.

GeneDx
Classification: Uncertain significance. Last evaluated: 2021-09-02. Review status: criteria provided, single submitter. Criteria: GeneDx Variant Classification Process June 2021. Collection method: clinical testing. Allele origin: germline. Affected: yes.
Comment: Not observed at significant frequency in large population cohorts (Lek et al., 2016); Missense variants in this gene are often considered pathogenic (Stenson et al., 2014); In silico analysis supports that this missense variant has a deleterious effect on protein structure/function; Has not been previously published as pathogenic or benign to our knowledge; This variant is associated with the following publications: (PMID: 19646678, 24492002)

Natera, Inc.
Classification: Uncertain significance for Pontocerebellar hypoplasia, type 1a. Last evaluated: 2021-01-19. Review status: no assertion criteria provided. Collection method: clinical testing. Allele origin: germline. Not counted in ClinVar's aggregate classification.

Genome Diagnostics Laboratory, University Medical Center Utrecht
Classification: Likely pathogenic for Distal spinal muscular atrophy. Last evaluated: 2020-10-01. Review status: no assertion criteria provided. Collection method: clinical testing. Allele origin: germline. Affected: no. Observed: 2 variant alleles. Not counted in ClinVar's aggregate classification.

Literature cited by the submitters: PubMed 35641352 (cited by Myriad Genetics, Inc.).